The following is an entry in ClinVar:

NM_016507.4(CDK12):c.1579C>T (p.Pro527Ser)

Gene: CDK12 (cyclin dependent kinase 12; plus strand). Cytogenetic location: 17q12.
Variant type: single nucleotide variant.
Coding change: c.1579C>T on transcript NM_016507.4 (MANE Select); coding-DNA position 1579, C replaced by T.
Protein change: p.Pro527Ser; replaces proline 527 with serine.
Molecular consequence: missense variant.
Genome position (GRCh38, 1-based): chr17:39,471,411, C>T. VCF-style: chr17-39471411-C-T. GRCh37 (hg19) VCF-style: chr17-37627664-C-T.
Other names: c.1579C>T, p.Pro527Ser (NM_015083.4); short protein forms P527S.
Identifiers: ClinVar variation 3999342 (VCV003999342.1).

ClinVar aggregate classification (germline): Uncertain significance (1 of 4 stars; one submission).

gnomAD v4.1: 3 of 1,613,848 alleles (0.00019%); highest among the groups gnomAD compares: South Asian, 0.0011%; no homozygotes.

Submission:

Ambry Genetics
Classification: Uncertain significance. Last evaluated: 2025-04-11. Review status: criteria provided, single submitter. Criteria: Ambry Variant Classification Scheme 2023. Collection method: clinical testing. Allele origin: germline.
Comment: The p.P527S variant (also known as c.1579C>T), located in coding exon 2 of the CDK12 gene, results from a C to T substitution at nucleotide position 1579. The proline at codon 527 is replaced by serine, an amino acid with similar properties. This amino acid position is conserved. In addition, this alteration is predicted to be tolerated by in silico analysis. Based on the available evidence, the clinical significance of this variant remains unclear.